The following is an entry in ClinVar:

ClinVar aggregate classification (germline): Uncertain significance (1 of 4 stars; one submission).

Conditions:
Keppen-Lubinsky syndrome (KPLBS). Identifiers: Orphanet 435628, MedGen C3279800, MONDO:0013572, OMIM 614098.

Submission:

Juno Genomics, Hangzhou Juno Genomics, Inc
Classification: Uncertain significance for Keppen-Lubinsky syndrome. Review status: criteria provided, single submitter. Criteria: ACMG Guidelines, 2015. Collection method: clinical testing. Allele origin: germline.
Comment: Absent from controls (or at extremely low frequency if recessive) in Genome Aggregation Database.;Missense variant in a gene that has a low rate of benign missense variation.;Multiple lines of computational evidence support a deleterious effect on the gene or gene product.

NM_002240.5(KCNJ6):c.842A>G (p.His281Arg)

Genes: KCNJ6 (potassium inwardly rectifying channel subfamily J member 6; minus strand), KCNJ6-AS1 (KCNJ6 antisense RNA 1; plus strand). Cytogenetic location: 21q22.13.
Variant type: single nucleotide variant.
Coding change: c.842A>G on transcript NM_002240.5 (MANE Select); coding-DNA position 842, A replaced by G.
Protein change: p.His281Arg; replaces histidine 281 with arginine.
Molecular consequence: missense variant. On other transcripts: non-coding transcript variant (1).
Genome position (GRCh38, 1-based): chr21:37,714,315, T>C on the plus strand (A>G on the coding strand, the complement: KCNJ6 is on the minus strand). VCF-style: chr21-37714315-T-C. GRCh37 (hg19) VCF-style: chr21-39086618-T-C.
Other names: short protein forms H281R.
Identifiers: ClinVar variation 5019506 (VCV005019506.2).